The following is an entry in ClinVar:

ClinVar aggregate classification (germline): Uncertain significance (1 of 4 stars; one submission).

Submission:

CeGaT Center for Human Genetics Tuebingen
Classification: Uncertain significance. Last evaluated: 2022-04-01. Review status: criteria provided, single submitter. Criteria: CeGaT Center For Human Genetics Tuebingen Variant Classification Criteria Version 2. Collection method: clinical testing. Allele origin: germline. Affected: yes. Observed: 1 variant allele.
Comment: DSP: PM2

NM_004415.4(DSP):c.1978G>C (p.Glu660Gln)

Gene: DSP (desmoplakin; plus strand). Cytogenetic location: 6p24.3.
Variant type: single nucleotide variant.
Coding change: c.1978G>C on transcript NM_004415.4 (MANE Select); coding-DNA position 1978, G replaced by C.
Protein change: p.Glu660Gln; replaces glutamic acid 660 with glutamine.
Molecular consequence: missense variant.
Genome position (GRCh38, 1-based): chr6:7,571,916, G>C. VCF-style: chr6-7571916-G-C. GRCh37 (hg19) VCF-style: chr6-7572149-G-C.
Other names: c.1978G>C, p.Glu660Gln (NM_001008844.3, NM_001319034.2); short protein forms E660Q.
Identifiers: ClinVar variation 2656211 (VCV002656211.24), dbSNP rs1322197317, ClinGen allele CA362680270.
Genomic context (GRCh38, chr6:7,571,916, plus strand): 5'-ATCACTCATCATGGAACCTGCCAAGATGTCAACCATAATAAAGTAATTGAAACCAACAGA[G>C]AAAATGACAAGCAAGAAACATGGATGCTGATGGAGCTGCAGAAGATTCGCAGGCAGATAG-3'
Protein context (NP_004406.2, residues 650-670): NHNKVIETNR[Glu660Gln]NDKQETWMLM